The following is an entry in ClinVar:

ClinVar aggregate classification (germline): Uncertain significance. Review status: criteria provided, multiple submitters, no conflicts (2 of 4 stars). 2 submissions from 2 submitters: Uncertain significance (2). Last evaluated 2025-07-05.

Conditions:
Immunodeficiency 14 (IMD14A). Also called: ACTIVATED PI3K-DELTA SYNDROME 1; Activated PI3K Delta Syndrome Type 1 (APDS1); p110-DELTA-ACTIVATING MUTATION CAUSING SENESCENT T CELLS, LYMPHADENOPATHY, AND IMMUNODEFICIENCY; IMMUNODEFICIENCY 14A WITH LYMPHOPROLIFERATION, AUTOSOMAL DOMINANT. Identifiers: Orphanet 397596, Orphanet 693661, MedGen C5907821, MONDO:0014222, OMIM 615513.

Allele frequency attached by ClinVar (database versions not stated): TOPMed below 0.00001.

Submissions (2):

GeneDx
Classification: Uncertain significance. Last evaluated: 2025-07-05. Review status: criteria provided, single submitter. Criteria: GeneDx Variant Classification Process June 2021. Collection method: clinical testing. Allele origin: germline. Affected: yes.
Comment: Reported in the published literature in a patient with immunodeficiency referred for whole exome sequencing (PMID: 35753512); In silico analysis suggests that this missense variant does not alter protein structure/function; Not observed at significant frequency in large population cohorts (gnomAD); This variant is associated with the following publications: (PMID: 35753512)

Labcorp Genetics (formerly Invitae), Labcorp
Classification: Uncertain significance for Activated PI3K-delta syndrome. Last evaluated: 2022-09-01. Review status: criteria provided, single submitter. Criteria: Invitae Variant Classification Sherloc (09022015). Collection method: clinical testing. Allele origin: germline.
Comment: This sequence change replaces leucine, which is neutral and non-polar, with proline, which is neutral and non-polar, at codon 214 of the PIK3CD protein (p.Leu214Pro). This variant is not present in population databases (gnomAD no frequency). This variant has not been reported in the literature in individuals affected with PIK3CD-related conditions. ClinVar contains an entry for this variant (Variation ID: 1413709). Algorithms developed to predict the effect of missense changes on protein structure and function are either unavailable or do not agree on the potential impact of this missense change (SIFT: "Deleterious"; PolyPhen-2: "Probably Damaging"; Align-GVGD: "Class C15"). In summary, the available evidence is currently insufficient to determine the role of this variant in disease. Therefore, it has been classified as a Variant of Uncertain Significance.

NM_005026.5(PIK3CD):c.641T>C (p.Leu214Pro)

Gene: PIK3CD (phosphatidylinositol-4,5-bisphosphate 3-kinase catalytic subunit delta; plus strand). Cytogenetic location: 1p36.22.
Variant type: single nucleotide variant.
Coding change: c.641T>C on transcript NM_005026.5 (MANE Select); coding-DNA position 641, T replaced by C.
Protein change: p.Leu214Pro; replaces leucine 214 with proline.
Molecular consequence: missense variant.
Genome position (GRCh38, 1-based): chr1:9,716,480, T>C. VCF-style: chr1-9716480-T-C. GRCh37 (hg19) VCF-style: chr1-9776538-T-C.
Other names: c.641T>C (NM_005026.3); c.641T>C, p.Leu214Pro (NM_001350234.2, NM_001350235.1); short protein forms L214P.
Identifiers: ClinVar variation 1413709 (VCV001413709.10), dbSNP rs1647468905, ClinGen allele CA338301067.